The following is an entry in ClinVar:

ClinVar aggregate classification (germline): Uncertain significance (1 of 4 stars; one submission).

Allele frequency attached by ClinVar (database versions not stated): gnomAD 0.00005 and 0.00006; gnomAD exomes 0.00008 and 0.00018; ExAC 0.00013; TOPMed 0.00013; 1000 Genomes Project 0.00020; 1000 Genomes Project 30x 0.00031; ESP Exome Variant Server 0.00046.
gnomAD v4.1: 273 of 1,613,876 alleles (0.017%); highest among the groups gnomAD compares: Non-Finnish European, 0.023%; no homozygotes.

Submission:

Labcorp Genetics (formerly Invitae), Labcorp
Classification: Uncertain significance. Last evaluated: 2022-08-16. Review status: criteria provided, single submitter. Criteria: Invitae Variant Classification Sherloc (09022015). Collection method: clinical testing. Allele origin: germline.
Comment: This sequence change replaces leucine, which is neutral and non-polar, with arginine, which is basic and polar, at codon 379 of the RNF168 protein (p.Leu379Arg). This variant is present in population databases (rs201505944, gnomAD 0.02%). This variant has not been reported in the literature in individuals affected with RNF168-related conditions. ClinVar contains an entry for this variant (Variation ID: 1426735). Algorithms developed to predict the effect of missense changes on protein structure and function (SIFT, PolyPhen-2, Align-GVGD) all suggest that this variant is likely to be tolerated. In summary, the available evidence is currently insufficient to determine the role of this variant in disease. Therefore, it has been classified as a Variant of Uncertain Significance.

NM_152617.4(RNF168):c.1136T>G (p.Leu379Arg)

Gene: RNF168 (ring finger protein 168; minus strand). Cytogenetic location: 3q29.
Variant type: single nucleotide variant.
Coding change: c.1136T>G on transcript NM_152617.4 (MANE Select); coding-DNA position 1136, T replaced by G.
Protein change: p.Leu379Arg; replaces leucine 379 with arginine.
Molecular consequence: missense variant.
Genome position (GRCh38, 1-based): chr3:196,472,399, A>C on the plus strand (T>G on the coding strand, the complement: RNF168 is on the minus strand). VCF-style: chr3-196472399-A-C. GRCh37 (hg19) VCF-style: chr3-196199270-A-C.
Other names: short protein forms L379R.
Identifiers: ClinVar variation 1426735 (VCV001426735.3), dbSNP rs201505944, ClinGen allele CA2780721.